The following is an entry in ClinVar:

ClinVar aggregate classification (germline): Uncertain significance. Review status: criteria provided, multiple submitters, no conflicts (2 of 4 stars). 2 submissions from 2 submitters: Uncertain significance (2). Last evaluated 2025-11-07.

Allele frequency attached by ClinVar (database versions not stated): ExAC 0.00002; gnomAD 0.00002; gnomAD exomes 0.00002 and 0.00007; TOPMed 0.00003.
gnomAD v4.1: 115 of 1,613,036 alleles (0.0071%); highest among the groups gnomAD compares: Non-Finnish European, 0.0091%; no homozygotes.

Submissions (2):

Ambry Genetics
Classification: Uncertain significance. Last evaluated: 2025-11-07. Review status: criteria provided, single submitter. Criteria: Ambry Variant Classification Scheme 2023. Collection method: clinical testing. Allele origin: germline.

Labcorp Genetics (formerly Invitae), Labcorp
Classification: Uncertain significance. Last evaluated: 2024-05-06. Review status: criteria provided, single submitter. Criteria: Invitae Variant Classification Sherloc (09022015). Collection method: clinical testing. Allele origin: germline.
Comment: This sequence change replaces proline, which is neutral and non-polar, with threonine, which is neutral and polar, at codon 2432 of the CEP250 protein (p.Pro2432Thr). This variant is present in population databases (rs201574445, gnomAD 0.006%). This variant has not been reported in the literature in individuals affected with CEP250-related conditions. ClinVar contains an entry for this variant (Variation ID: 955426). An algorithm developed to predict the effect of missense changes on protein structure and function (PolyPhen-2) suggests that this variant is likely to be tolerated. In summary, the available evidence is currently insufficient to determine the role of this variant in disease. Therefore, it has been classified as a Variant of Uncertain Significance.

NM_007186.6(CEP250):c.7294C>A (p.Pro2432Thr)

Gene: CEP250 (centrosomal protein 250; plus strand). Cytogenetic location: 20q11.22.
Variant type: single nucleotide variant.
Coding change: c.7294C>A on transcript NM_007186.6 (MANE Select); coding-DNA position 7294, C replaced by A.
Protein change: p.Pro2432Thr; replaces proline 2432 with threonine.
Molecular consequence: missense variant.
Genome position (GRCh38, 1-based): chr20:35,511,591, C>A. VCF-style: chr20-35511591-C-A. GRCh37 (hg19) VCF-style: chr20-34099420-C-A.
Other names: c.5398C>A, p.Pro1800Thr (NM_001318219.1); c.7294C>A (NM_007186.3); short protein forms P1800T, P2432T.
Identifiers: ClinVar variation 955426 (VCV000955426.10), dbSNP rs201574445, ClinGen allele CA9834278.